The following is an entry in ClinVar:

ClinVar aggregate classification (germline): Likely pathogenic (1 of 4 stars; one submission).

Conditions:
Mitochondrial complex IV deficiency, nuclear type 1 (MC4DN1). Also called: COX DEFICIENCY; Mitochondrial complex IV deficiency; Complex 4 mitochondrial respiratory chain deficiency; Deficiency of mitochondrial respiratory chain complex4; Complex IV deficiency. Identifiers: MedGen C5435656, MONDO:0700250, OMIM 220110. Disease mechanism: loss of function.

Submission:

3billion
Classification: Likely pathogenic for Mitochondrial complex IV deficiency, nuclear type 1. Last evaluated: 2023-10-17. Review status: criteria provided, single submitter. Criteria: ACMG Guidelines, 2015. Collection method: clinical testing. Allele origin: germline. Affected: yes.
Comment: The variant is not observed in the gnomAD v2.1.1 dataset. Predicted Consequence/Location: Frameshift: predicted to result in a loss or disruption of normal protein function through nonsense-mediated decay (NMD) or protein truncation. Multiple pathogenic variants are reported downstream of the variant. Therefore, this variant is classified as Likely pathogenic according to the recommendation of ACMG/AMP guideline.

NM_003172.4(SURF1):c.219del (p.Phe74fs)

Gene: SURF1 (SURF1 cytochrome c oxidase assembly factor; minus strand). Cytogenetic location: 9q34.2.
Variant type: Deletion.
Coding change: c.219del on transcript NM_003172.4 (MANE Select); coding-DNA position 219, one base deleted (C; older notation c.219delC).
Protein change: p.Phe74fs; shifts the reading frame from phenylalanine 74.
Molecular consequence: frameshift variant. On other transcripts: 5 prime UTR variant (1).
Genome position (GRCh38, 1-based): chr9:133,354,845, G deleted on the plus strand (C on the coding strand, the reverse complement: SURF1 is on the minus strand); the first of 2 consecutive G bases (chr9:133,354,845-133,354,846); deleting either gives the same sequence. VCF-style (leftmost placement, unchanged base first): chr9-133354844-AG-A. GRCh37 (hg19) VCF-style: chr9-136221699-AG-A.
Other names: c.-109del (NM_001280787.1); short protein forms F74fs.
Identifiers: ClinVar variation 3775466 (VCV003775466.1).